The following is an entry in ClinVar:

ClinVar aggregate classification (germline): Uncertain significance (1 of 4 stars; one submission).

Conditions:
USP9X-related neurodevelopmental disorder.

Allele frequency attached by ClinVar (database versions not stated): gnomAD exomes below 0.00001.
gnomAD v4.1: 3 of 1,211,601 alleles (0.00025%); highest among the groups gnomAD compares: Non-Finnish European, 0.00022%; no homozygotes.

Submission:

Illumina Laboratory Services, Illumina
Classification: Uncertain significance for USP9X-related neurodevelopmental disorder. Last evaluated: 2021-07-01. Review status: criteria provided, single submitter. Criteria: ICSLVariantClassificationCriteria RUGD 01 April 2020. Collection method: clinical testing. Allele origin: unknown.
Comment: The USP9X c.2480A>G (p.Tyr827Cys) variant is a missense variant. A literature was conducted for the gene, cDNA change, and amino acid change. No publications were identified through this search. This variant is not reported in version 2.1.1 or version 3.1.1 of the Genome Aggregation Database despite its location in a region of good sequencing coverage, which suggests that the variant is rare. Based on the available evidence, the p.Tyr827Cys variant is classified as a variant of uncertain significance for USP9X-related neurodevelopmental disorder.

NM_001039591.3(USP9X):c.2480A>G (p.Tyr827Cys)

Gene: USP9X (ubiquitin specific peptidase 9 X-linked; plus strand). Cytogenetic location: Xp11.4.
Variant type: single nucleotide variant.
Coding change: c.2480A>G on transcript NM_001039591.3 (MANE Select); coding-DNA position 2480, A replaced by G.
Protein change: p.Tyr827Cys; replaces tyrosine 827 with cysteine.
Molecular consequence: missense variant.
Genome position (GRCh38, 1-based): chrX:41,168,062, A>G. VCF-style: chrX-41168062-A-G. GRCh37 (hg19) VCF-style: chrX-41027315-A-G.
Other names: c.2480A>G, p.Tyr827Cys (NM_001039590.3); short protein forms Y827C.
Identifiers: ClinVar variation 1328122 (VCV001328122.4), dbSNP rs2147117994, ClinGen allele CA412756666.